The following is an entry in ClinVar:

NM_000891.3(KCNJ2):c.430G>A (p.Gly144Ser)

Gene: KCNJ2 (potassium inwardly rectifying channel subfamily J member 2; plus strand). Cytogenetic location: 17q24.3.
Variant type: single nucleotide variant.
Coding change: c.430G>A on transcript NM_000891.3 (MANE Select); coding-DNA position 430, G replaced by A.
Protein change: p.Gly144Ser; replaces glycine 144 with serine.
Molecular consequence: missense variant.
Genome position (GRCh38, 1-based): chr17:70,175,469, G>A. VCF-style: chr17-70175469-G-A. GRCh37 (hg19) VCF-style: chr17-68171610-G-A.
Other names: c.430G>A (LRG_328t1); short protein forms G144S.
Identifiers: ClinVar variation 67573 (VCV000067573.8), dbSNP rs199473378, ClinGen allele CA329666.
Genomic context (GRCh38, chr17:70,175,469, plus strand): 5'-TCCGAGGTCAACAGCTTCACGGCTGCCTTCCTCTTCTCCATTGAGACCCAGACAACCATA[G>A]GCTATGGTTTCAGATGTGTCACGGATGAATGCCCAATTGCTGTTTTCATGGTGGTGTTCC-3'
Protein context (NP_000882.1, residues 134-154): LFSIETQTTI[Gly144Ser]YGFRCVTDEC

ClinVar aggregate classification (germline): Pathogenic. Review status: criteria provided, multiple submitters, no conflicts (2 of 4 stars). 3 submissions from 3 submitters: Pathogenic (2). 1 of the submissions does not count toward it. Last evaluated 2024-12-22.

Conditions:
Familial long QT syndrome (RWS). Also called: Congenital long QT syndrome; Romano-Ward syndrome; VENTRICULAR FIBRILLATION WITH PROLONGED QT INTERVAL. Identifiers: Orphanet 768, MedGen C1141890, MONDO:0019171.
Andersen Tawil syndrome (LQT7). Also called: ANDERSEN CARDIODYSRHYTHMIC PERIODIC PARALYSIS; Andersen Syndrome; Potassium-sensitive periodic paralysis, ventricular ectopy, and dysmorphic features; LONG QT SYNDROME 7; PERIODIC PARALYSIS, POTASSIUM-SENSITIVE CARDIODYSRHYTHMIC TYPE. Identifiers: Orphanet 37553, MedGen C1563715, MONDO:0008222, OMIM 170390.
Short QT syndrome type 3. Identifiers: Orphanet 51083, MedGen C1865018, MONDO:0012314, OMIM 609622.

Allele frequency attached by ClinVar (database versions not stated): gnomAD 0.00001; TOPMed below 0.00001.

Submissions (3):

Labcorp Genetics (formerly Invitae), Labcorp
Classification: Pathogenic for Short QT syndrome type 3; Andersen Tawil syndrome. Last evaluated: 2024-12-22. Review status: criteria provided, single submitter. Criteria: Invitae Variant Classification Sherloc (09022015). Collection method: clinical testing. Allele origin: germline.
Comment: This sequence change replaces glycine, which is neutral and non-polar, with serine, which is neutral and polar, at codon 144 of the KCNJ2 protein (p.Gly144Ser). This variant is not present in population databases (gnomAD no frequency). This missense change has been observed in individual(s) with Andersen-Tawil syndrome (PMID: 11371347). In at least one individual the variant was observed to be de novo. ClinVar contains an entry for this variant (Variation ID: 67573). Invitae Evidence Modeling of protein sequence and biophysical properties (such as structural, functional, and spatial information, amino acid conservation, physicochemical variation, residue mobility, and thermodynamic stability) indicates that this missense variant is expected to disrupt KCNJ2 protein function with a positive predictive value of 95%. Experimental studies have shown that this missense change affects KCNJ2 function (PMID: 12163457, 12909315, 14522976, 22002906). This variant disrupts the p.Gly144 amino acid residue in KCNJ2. Other variant(s) that disrupt this residue have been determined to be pathogenic (PMID: 15911703, 16541386, 30516834). This suggests that this residue is clinically significant, and that variants that disrupt this residue are likely to be disease-causing. For these reasons, this variant has been classified as Pathogenic.

Victorian Clinical Genetics Services, Murdoch Childrens Research Institute
Classification: Pathogenic for Andersen Tawil syndrome. Last evaluated: 2022-02-02. Review status: criteria provided, single submitter. Criteria: ACMG Guidelines, 2015. Collection method: clinical testing. Allele origin: germline. Inheritance: Autosomal dominant inheritance. Affected: yes.
Comment: Based on the classification scheme VCGS_Germline_v1.3.4, this variant is classified as Pathogenic. Following criteria are met: 0104 - Dominant negative is a known mechanism of disease in this gene and is associated with Andersen syndrome (MIM#170390) (OMIM, PMID: 22589293, 22186697). (I) 0107 - This gene is associated with autosomal dominant disease. (I) 0112 - The condition associated with this gene has incomplete penetrance (GeneReviews). (I) 0115 - Variants in this gene are known to have variable expressivity. Some individuals carrying Andersen-Tawil syndrome variants lack the triad of clinical features (PMID: 22589293). (I) 0200 - Variant is predicted to result in a missense amino acid change from glycine to serine. (I) 0251 - This variant is heterozygous. (I) 0302 - Variant is present in gnomAD (v3) <0.001 for a dominant condition (1 heterozygote, 0 homozygote). (SP) 0501 - Missense variant consistently predicted to be damaging by multiple in silico tools or highly conserved with a major amino acid change. (SP) 0600 - Variant is located in the annotated inward rectifier potassium channel transmembrane domain (DECIPHER). (I) 0702 - Other missense variants comparable to the one identified in this case have strong previous evidence for pathogenicity. p.(Gly144Asp) and p.(Gly144Ala) have been seen in several unrelated individuals with Andersen syndrome (ClinVar, PMID:12909315, 22589293, 33057326). (SP) 0802 - This variant has moderate previous evidence of pathogenicity in unrelated individuals. This variant has previously been seen in four individuals with Andersen syndrome (ClinVar, PMID: 11371347, 12163457, 17221872). (SP) 1002 - This variant has moderate functional evidence supporting abnormal protein function.Patch clamp assays using oocytes with site directed mutagenesis show this variant stops the protein from being able to form homomultimeric channels and causes disease in a dominant negative manner (PMID: 12163457, 12909315). However, patch clamp assays have been shown to be unreliable, therefore results from these studies are used with caution during variant classification. (SP) 1208 - Inheritance information for this variant is not currently available in this individual. (I) Legend: (SP) - Supporting pathogenic, (I) - Information, (SB) - Supporting benign

Cardiovascular Biomedical Research Unit, Royal Brompton & Harefield NHS Foundation Trust
No classification provided. Condition: Familial long QT syndrome. Review status: no classification provided. Collection method: literature only. Allele origin: germline. Not counted in ClinVar's aggregate classification.
Comment: This variant has been reported in the following publications (PMID:11371347;PMID:12163457;PMID:15028050;PMID:17221872;PMID:22002906).

Literature cited by the submitters: PubMed 11371347 (cited by 3 submitters); PubMed 12163457 (cited by 3 submitters); PubMed 12909315 (cited by Labcorp Genetics (formerly Invitae), Labcorp and Victorian Clinical Genetics Services, Murdoch Childrens Research Institute); PubMed 14522976 (cited by Labcorp Genetics (formerly Invitae), Labcorp); PubMed 22002906 (cited by Labcorp Genetics (formerly Invitae), Labcorp and Cardiovascular Biomedical Research Unit, Royal Brompton & Harefield NHS Foundation Trust); PubMed 15911703 (cited by Labcorp Genetics (formerly Invitae), Labcorp); PubMed 16541386 (cited by Labcorp Genetics (formerly Invitae), Labcorp); PubMed 30516834 (cited by Labcorp Genetics (formerly Invitae), Labcorp); PubMed 17221872 (cited by Victorian Clinical Genetics Services, Murdoch Childrens Research Institute and Cardiovascular Biomedical Research Unit, Royal Brompton & Harefield NHS Foundation Trust); PubMed 22186697 (cited by Victorian Clinical Genetics Services, Murdoch Childrens Research Institute); PubMed 22589293 (cited by Victorian Clinical Genetics Services, Murdoch Childrens Research Institute); PubMed 33057326 (cited by Victorian Clinical Genetics Services, Murdoch Childrens Research Institute); PubMed 15028050 (cited by Cardiovascular Biomedical Research Unit, Royal Brompton & Harefield NHS Foundation Trust); PubMed 22581653 (cited by Cardiovascular Biomedical Research Unit, Royal Brompton & Harefield NHS Foundation Trust).